The following is an entry in ClinVar:

ClinVar aggregate classification (germline): Conflicting classifications of pathogenicity. Review status: criteria provided, conflicting classifications (1 of 4 stars). 3 submissions from 3 submitters: Likely pathogenic (2); Uncertain significance (1). Last evaluated 2025-12-08.

Conditions:
Corneal dystrophy-perceptive deafness syndrome (CDPD). Also called: CORNEAL DYSTROPHY AND SENSORINEURAL DEAFNESS; HARBOYAN SYNDROME. Identifiers: Orphanet 1490, MedGen C1857572, MONDO:0009015, OMIM 217400.

Allele frequency attached by ClinVar (database versions not stated): TOPMed below 0.00001.
gnomAD v4.1: 3 of 1,613,738 alleles (0.00019%); highest among the groups gnomAD compares: Non-Finnish European, 0.00025%; no homozygotes.

Submissions (3):

Natera, Inc.
Classification: Likely pathogenic for Corneal dystrophy-perceptive deafness syndrome. Last evaluated: 2025-12-08. Review status: criteria provided, single submitter. Criteria: Natera Variant Classification Schema (03/2026). Collection method: clinical testing. Allele origin: germline.
Comment: The c.1180G>C variant in SLC4A11 is a missense variant predicted to cause substitution of glycine to arginine at amino acid 394. This variant is rare in the general population with a frequency below the threshold expected for the associated phenotype(s). This variant has been observed in one or more individuals affected with the associated recessive disease, as either homozygous or compound heterozygous with a second variant (PMID: 19369245). Functional studies show that this variant may disrupt protein function (PMID: 29327391). Computational prediction algorithms indicate this variant is likely to affect gene or protein function. Given the available evidence, this variant is classified as Likely Pathogenic.

Labcorp Genetics (formerly Invitae), Labcorp
Classification: Uncertain significance. Last evaluated: 2024-11-19. Review status: criteria provided, single submitter. Criteria: Invitae Variant Classification Sherloc (09022015). Collection method: clinical testing. Allele origin: germline.
Comment: This sequence change replaces glycine, which is neutral and non-polar, with arginine, which is basic and polar, at codon 394 of the SLC4A11 protein (p.Gly394Arg). This variant is present in population databases (rs780171125, gnomAD 0.0009%). This missense change has been observed in individual(s) with congenital hereditary endothelial dystrophy (PMID: 19369245). This variant is also known as c.1228G<177C. ClinVar contains an entry for this variant (Variation ID: 1328817). Invitae Evidence Modeling of protein sequence and biophysical properties (such as structural, functional, and spatial information, amino acid conservation, physicochemical variation, residue mobility, and thermodynamic stability) indicates that this missense variant is expected to disrupt SLC4A11 protein function with a positive predictive value of 95%. Experimental studies have shown that this missense change affects SLC4A11 function (PMID: 29327391). In summary, the available evidence is currently insufficient to determine the role of this variant in disease. Therefore, it has been classified as a Variant of Uncertain Significance.

GeneDx
Classification: Likely pathogenic. Last evaluated: 2022-12-19. Review status: criteria provided, single submitter. Criteria: GeneDx Variant Classification Process June 2021. Collection method: clinical testing. Allele origin: germline. Affected: yes.
Comment: Not observed at a significant frequency in large population cohorts (gnomAD); Published functional studies suggest a damaging effect on cell surface traffiking likely due to protein misfolding (Alka and Casey, 2018); In silico analysis supports that this missense variant has a deleterious effect on protein structure/function; This variant is associated with the following publications: (PMID: 23662738, 26451371, 27925686, 19369245, 29327391)

Literature cited by the submitters: PubMed 19369245 (cited by Natera, Inc. and Labcorp Genetics (formerly Invitae), Labcorp); PubMed 29327391 (cited by Natera, Inc. and Labcorp Genetics (formerly Invitae), Labcorp).

NM_001174089.2(SLC4A11):c.1132G>C (p.Gly378Arg)

Gene: SLC4A11 (solute carrier family 4 member 11; minus strand). Cytogenetic location: 20p13.
Variant type: single nucleotide variant.
Coding change: c.1132G>C on transcript NM_001174089.2 (MANE Select); coding-DNA position 1132, G replaced by C.
Protein change: p.Gly378Arg; replaces glycine 378 with arginine.
Molecular consequence: missense variant. On other transcripts: non-coding transcript variant (1).
Genome position (GRCh38, 1-based): chr20:3,230,969, C>G on the plus strand (G>C on the coding strand, the complement: SLC4A11 is on the minus strand). VCF-style: chr20-3230969-C-G. GRCh37 (hg19) VCF-style: chr20-3211615-C-G.
Other names: c.1261G>C, p.Gly421Arg (NM_001174090.2); c.1132G>C, p.Gly378Arg (NM_001363745.2); c.1180G>C, p.Gly394Arg (NM_032034.4); short protein forms G378R, G394R, G421R.
Identifiers: ClinVar variation 1328817 (VCV001328817.5), dbSNP rs780171125, ClinGen allele CA9741986.
Genomic context (GRCh38, chr20:3,230,969, plus strand): 5'-CACCGCCCACCGCCAGCCCCTCACCGATGGCCCCGTCTGTGTTCTCGTCATTGAGAGACC[C>G]GAAAGCGATGGTGGGCAGGAGGCAGGCGAAGTAGAGGAACAGGGTGGTGGTGATGTATTT-3'
Protein context (NP_001167560.1, residues 368-388): FACLLPTIAF[Gly378Arg]SLNDENTDGA